The following is an entry in ClinVar:

NM_007118.4(TRIO):c.6936_6956dup (p.Gly2319_His2320insAlaProSerGlyGlySerGly)

Gene: TRIO (trio Rho guanine nucleotide exchange factor; plus strand). Cytogenetic location: 5p15.2.
Variant type: Duplication.
Coding change: c.6936_6956dup on transcript NM_007118.4 (MANE Select); coding-DNA positions 6936 to 6956, 21 bases duplicated (GGCCCCCAGTGGCGGCAGCGG).
Protein change: p.Gly2319_His2320insAlaProSerGlyGlySerGly.
Molecular consequence: inframe insertion. On other transcripts: non-coding transcript variant (1).
Genome position (GRCh38, 1-based): chr5:14,487,564-14,487,584, GGCCCCCAGTGGCGGCAGCGG duplicated; duplicating any 21 consecutive bases within chr5:14,487,560-14,487,584 gives the same sequence; the c. name uses the placement nearest the transcript's 3' end. VCF-style (leftmost placement, unchanged base first): chr5-14487559-G-GGCGGGGCCCCCAGTGGCGGCA. GRCh37 (hg19) VCF-style: chr5-14487668-G-GGCGGGGCCCCCAGTGGCGGCA.
Identifiers: ClinVar variation 3369029 (VCV003369029.1).

ClinVar aggregate classification (germline): Uncertain significance (1 of 4 stars; one submission).

Submission:

GeneDx
Classification: Uncertain significance. Last evaluated: 2024-02-14. Review status: criteria provided, single submitter. Criteria: GeneDx Variant Classification Process June 2021. Collection method: clinical testing. Allele origin: germline. Affected: yes.
Comment: Not observed at significant frequency in large population cohorts (gnomAD); In-frame duplication of 7 amino acids in a non-repeat region; Has not been previously published as pathogenic or benign to our knowledge